The following is an entry in ClinVar:

NM_020831.6(MRTFA):c.1436C>G (p.Ala479Gly)

Gene: MRTFA (myocardin related transcription factor A; minus strand). Cytogenetic location: 22q13.1.
Variant type: single nucleotide variant.
Coding change: c.1436C>G on transcript NM_020831.6 (MANE Select); coding-DNA position 1436, C replaced by G.
Protein change: p.Ala479Gly; replaces alanine 479 with glycine.
Molecular consequence: missense variant.
Genome position (GRCh38, 1-based): chr22:40,419,302, G>C on the plus strand (C>G on the coding strand, the complement: MRTFA is on the minus strand). VCF-style: chr22-40419302-G-C. GRCh37 (hg19) VCF-style: chr22-40815306-G-C.
Other names: c.1136C>G (NM_020831.3); c.1136C>G, p.Ala379Gly (NM_001282660.2); c.1286C>G, p.Ala429Gly (NM_001282661.3); c.1436C>G, p.Ala479Gly (NM_001282662.3); c.1241C>G, p.Ala414Gly (NM_001318139.2); short protein forms A379G, A414G, A429G, A479G.
Identifiers: ClinVar variation 1683082 (VCV001683082.9), dbSNP rs375153992, ClinGen allele CA10249669.

ClinVar aggregate classification (germline): Uncertain significance. Review status: criteria provided, multiple submitters, no conflicts (2 of 4 stars). 2 submissions from 2 submitters: Uncertain significance (2). Last evaluated 2024-11-10.

Allele frequency attached by ClinVar (database versions not stated): ExAC 0.00003; ESP Exome Variant Server 0.00008.
gnomAD v4.1: 144 of 1,613,874 alleles (0.0089%); highest among the groups gnomAD compares: Non-Finnish European, 0.012%; no homozygotes.

Submissions (2):

Labcorp Genetics (formerly Invitae), Labcorp
Classification: Uncertain significance. Last evaluated: 2024-11-10. Review status: criteria provided, single submitter. Criteria: Invitae Variant Classification Sherloc (09022015). Collection method: clinical testing. Allele origin: germline.
Comment: This sequence change replaces alanine, which is neutral and non-polar, with glycine, which is neutral and non-polar, at codon 379 of the MKL1 protein (p.Ala379Gly). This variant is present in population databases (rs375153992, gnomAD 0.004%). This variant has not been reported in the literature in individuals affected with MKL1-related conditions. ClinVar contains an entry for this variant (Variation ID: 1683082). An algorithm developed to predict the effect of missense changes on protein structure and function (PolyPhen-2) suggests that this variant is likely to be tolerated. In summary, the available evidence is currently insufficient to determine the role of this variant in disease. Therefore, it has been classified as a Variant of Uncertain Significance.

Ambry Genetics
Classification: Uncertain significance. Last evaluated: 2024-03-01. Review status: criteria provided, single submitter. Criteria: Ambry Variant Classification Scheme 2023. Collection method: clinical testing. Allele origin: germline.